The following is an entry in ClinVar:

NM_005733.3(KIF20A):c.1810G>A (p.Glu604Lys)

Gene: KIF20A (kinesin family member 20A; plus strand). Cytogenetic location: 5q31.2.
Variant type: single nucleotide variant.
Coding change: c.1810G>A on transcript NM_005733.3 (MANE Select); coding-DNA position 1810, G replaced by A.
Protein change: p.Glu604Lys; replaces glutamic acid 604 with lysine.
Molecular consequence: missense variant.
Genome position (GRCh38, 1-based): chr5:138,184,933, G>A. VCF-style: chr5-138184933-G-A. GRCh37 (hg19) VCF-style: chr5-137520622-G-A.
Other names: c.1810G>A (NM_005733.2); short protein forms E604K.
Identifiers: ClinVar variation 1434484 (VCV001434484.7), dbSNP rs367612363, ClinGen allele CA3426710.

ClinVar aggregate classification (germline): Uncertain significance. Review status: criteria provided, multiple submitters, no conflicts (2 of 4 stars). 2 submissions from 2 submitters: Uncertain significance (2). Last evaluated 2025-09-02.

Allele frequency attached by ClinVar (database versions not stated): ExAC 0.00002; gnomAD exomes 0.00002; ESP Exome Variant Server 0.00008; gnomAD 0.00017 and 0.00019.
gnomAD v4.1: 49 of 1,614,004 alleles (0.003%); highest among the groups gnomAD compares: African/African-American, 0.057%; no homozygotes.

Submissions (2):

Labcorp Genetics (formerly Invitae), Labcorp
Classification: Uncertain significance. Last evaluated: 2025-09-02. Review status: criteria provided, single submitter. Criteria: Invitae Variant Classification Sherloc (09022015). Collection method: clinical testing. Allele origin: germline.
Comment: This sequence change replaces glutamic acid, which is acidic and polar, with lysine, which is basic and polar, at codon 604 of the KIF20A protein (p.Glu604Lys). This variant is present in population databases (rs367612363, gnomAD 0.05%). This variant has not been reported in the literature in individuals affected with KIF20A-related conditions. ClinVar contains an entry for this variant (Variation ID: 1434484). An algorithm developed to predict the effect of missense changes on protein structure and function (PolyPhen-2) suggests that this variant is likely to be disruptive. In summary, the available evidence is currently insufficient to determine the role of this variant in disease. Therefore, it has been classified as a Variant of Uncertain Significance.

Ambry Genetics
Classification: Uncertain significance. Last evaluated: 2025-08-12. Review status: criteria provided, single submitter. Criteria: Ambry Variant Classification Scheme 2023. Collection method: clinical testing. Allele origin: germline.